The following is an entry in ClinVar:

NM_000277.3(PAH):c.197_204del (p.Glu66fs)

Gene: PAH (phenylalanine hydroxylase; minus strand). Cytogenetic location: 12q23.2.
Variant type: Deletion.
Coding change: c.197_204del on transcript NM_000277.3 (MANE Select); coding-DNA positions 197 to 204, 8 bases deleted (AATCTAGA; older notation c.197_204delAATCTAGA).
Protein change: p.Glu66fs; shifts the reading frame from glutamic acid 66.
Molecular consequence: frameshift variant.
Genome position (GRCh38, 1-based): chr12:102,894,883-102,894,890, TCTAGATT deleted on the plus strand (AATCTAGA on the coding strand, the reverse complement: PAH is on the minus strand). VCF-style (leftmost placement, unchanged base first): chr12-102894882-GTCTAGATT-G. GRCh37 (hg19) VCF-style: chr12-103288660-GTCTAGATT-G.
Other names: NM_000277.1:c.197_204del; c.197_204del, p.Glu66fs (NM_001354304.2); short protein forms E66fs.
Identifiers: ClinVar variation 1693244 (VCV001693244.1), dbSNP rs2136702049, ClinGen allele CA16021007.
Genomic context (GRCh38, chr12:102,894,882, plus strand): 5'-GCAGGCTACGTTTATCCAAATGGGTGAAAAATTCATACTCATCTTTCTTTAAACGAGAAG[GTCTAGATT>G]CAATGTGGGTCAGGTTTACATCATTCTCCTAGAAGAGAGAATGGGGAGGGTGAGGAGACA-3'

ClinVar aggregate classification (germline): Pathogenic (3 of 4 stars; one submission).

Conditions:
Phenylketonuria (PKU). Also called: Phenylketonurias; FOLLING DISEASE; Phenylketonuria (PKU); OLIGOPHRENIA PHENYLPYRUVICA. Identifiers: Orphanet 716, MedGen C0031485, MONDO:0009861, OMIM 261600. Disease mechanism: loss of function.

Submission:

ClinGen PAH Variant Curation Expert Panel
Classification: Pathogenic for Phenylketonuria. Last evaluated: 2022-06-28. Review status: reviewed by expert panel. Criteria: ClinGen PAH ACMG Specifications v1. Collection method: curation. Allele origin: germline. Inheritance: Autosomal recessive inheritance.
Comment: The c.197_204del8 (p.Glu66Alafs*8) variant in PAH has been reported in 1 individual with PAH deficiency (BH4 deficiency excluded, PP4_Moderate; PMID: 21147011). This variant was detected with p.A300S (Pathogenic in ClinVar) (PM3_supporting; PMID: 21147011). It is a frameshift variant predicted to lead to NMD (PVS1). It is absent from gnomAD (PM2). In summary, this variant meets criteria to be classified as pathogenic for PAH. PAH-specific ACMG/AMP criteria applied: PVS1, PP4_Moderate, PM3, PM2.

Literature cited by the submitters: PubMed 21147011.